The following is an entry in ClinVar:

ClinVar aggregate classification (germline): Likely benign. Review status: criteria provided, single submitter (1 of 4 stars). 2 submissions from 2 submitters: Likely benign (1). 1 of the submissions does not count toward it. Last evaluated 2025-07-09.

Conditions:
FLNB-related disorder. Also called: FLNB-related condition; FLNB-related disorders. Identifiers: MedGen CN381095.

Allele frequency attached by ClinVar (database versions not stated): gnomAD 0.00001; TOPMed 0.00003.

Submissions (2):

Labcorp Genetics (formerly Invitae), Labcorp
Classification: Likely benign. Last evaluated: 2025-07-09. Review status: criteria provided, single submitter. Criteria: Invitae Variant Classification Sherloc (09022015). Collection method: clinical testing. Allele origin: germline.

PreventionGenetics, part of Exact Sciences
Classification: Likely benign for FLNB-related condition. Last evaluated: 2020-06-26. Review status: no assertion criteria provided. Collection method: clinical testing. Allele origin: germline. Not counted in ClinVar's aggregate classification.
Comment: This variant is classified as likely benign based on ACMG/AMP sequence variant interpretation guidelines (Richards et al. 2015 PMID: 25741868, with internal and published modifications).

NM_001457.4(FLNB):c.1686G>T (p.Gly562=)

Gene: FLNB (filamin B; plus strand). Cytogenetic location: 3p14.3.
Variant type: single nucleotide variant.
Coding change: c.1686G>T on transcript NM_001457.4 (MANE Select); coding-DNA position 1686, G replaced by T.
Protein change: p.Gly562=; no amino-acid change (glycine 562 retained).
Molecular consequence: synonymous variant.
Genome position (GRCh38, 1-based): chr3:58,105,155, G>T. VCF-style: chr3-58105155-G-T. GRCh37 (hg19) VCF-style: chr3-58090882-G-T.
Other names: c.1686G>T (NM_001457.3); c.1686G>T, p.Gly562= (NM_001164317.2, NM_001164318.2, NM_001164319.2).
Identifiers: ClinVar variation 3014122 (VCV003014122.5), dbSNP rs1287803584, ClinGen allele CA434026926.